The following is an entry in ClinVar:

NM_015158.5(KANK1):c.2916T>G (p.Ser972Arg)

Gene: KANK1 (KN motif and ankyrin repeat domains 1; plus strand). Cytogenetic location: 9p24.3.
Variant type: single nucleotide variant.
Coding change: c.2916T>G on transcript NM_015158.5 (MANE Select); coding-DNA position 2916, T replaced by G.
Protein change: p.Ser972Arg; replaces serine 972 with arginine.
Molecular consequence: missense variant. On other transcripts: non-coding transcript variant (1).
Genome position (GRCh38, 1-based): chr9:731,177, T>G. VCF-style: chr9-731177-T-G. GRCh37 (hg19) VCF-style: chr9-731177-T-G.
Other names: c.2916T>G, p.Ser972Arg (NM_001256876.3, NM_001256877.3, NM_001354331.2 and 1 more transcripts); c.2862T>G, p.Ser954Arg (NM_001354332.2); c.2442T>G, p.Ser814Arg (NM_001354333.2, NM_001354335.2, NM_001354337.2 and 5 more transcripts); c.2388T>G, p.Ser796Arg (NM_001354336.2, NM_001354338.2, NM_001354340.2 and 1 more transcripts); short protein forms S814R, S972R, S954R, S796R.
Identifiers: ClinVar variation 3680325 (VCV003680325.2).

ClinVar aggregate classification (germline): Uncertain significance (1 of 4 stars; one submission).

gnomAD v4.1: 1 of 1,608,024 alleles (0.000062%); highest among the groups gnomAD compares: Non-Finnish European, 0.000085%; no homozygotes.

Submission:

Labcorp Genetics (formerly Invitae), Labcorp
Classification: Uncertain significance. Last evaluated: 2024-03-15. Review status: criteria provided, single submitter. Criteria: Invitae Variant Classification Sherloc (09022015). Collection method: clinical testing. Allele origin: germline.
Comment: This sequence change replaces serine, which is neutral and polar, with arginine, which is basic and polar, at codon 972 of the KANK1 protein (p.Ser972Arg). This variant is not present in population databases (gnomAD no frequency). This variant has not been reported in the literature in individuals affected with KANK1-related conditions. Advanced modeling of protein sequence and biophysical properties (such as structural, functional, and spatial information, amino acid conservation, physicochemical variation, residue mobility, and thermodynamic stability) performed at Invitae indicates that this missense variant is not expected to disrupt KANK1 protein function with a negative predictive value of 80%. In summary, the available evidence is currently insufficient to determine the role of this variant in disease. Therefore, it has been classified as a Variant of Uncertain Significance.